The following is an entry in ClinVar:

ClinVar aggregate classification (germline): Benign/Likely benign. Review status: criteria provided, multiple submitters, no conflicts (2 of 4 stars). 3 submissions from 3 submitters: Benign (1); Likely benign (2). Last evaluated 2026-08-01.

Allele frequency attached by ClinVar (database versions not stated): 1000 Genomes Project 30x 0.00078; 1000 Genomes Project 0.00100; TOPMed 0.00213; ESP Exome Variant Server 0.00238; gnomAD exomes 0.00356 and 0.00530; gnomAD 0.00455 and 0.00481; ExAC 0.00516.
gnomAD v4.1: 5,890 of 1,613,968 alleles (0.36%); highest among the groups gnomAD compares: Non-Finnish European, 0.32%; 47 homozygotes.

Submissions (3):

CeGaT Center for Human Genetics Tuebingen
Classification: Likely benign. Last evaluated: 2026-08-01. Review status: criteria provided, single submitter. Criteria: CeGaT Center For Human Genetics Tuebingen Variant Classification Criteria Version 2. Collection method: clinical testing. Allele origin: germline. Affected: yes. Observed: 9 variant alleles.
Comment: C5: BS2

Women's Health and Genetics/Laboratory Corporation of America, LabCorp
Classification: Likely benign. Last evaluated: 2026-01-29. Review status: criteria provided, single submitter. Criteria: LabCorp Variant Classification Summary - May 2015. Collection method: clinical testing. Allele origin: germline.
Comment: Variant summary: C5 c.1060C>A (p.Leu354Met) results in a conservative amino acid change in the encoded protein sequence. Algorithms developed to predict the effect of missense changes on protein structure and function are either unavailable or do not agree on the potential impact of this missense change. The variant allele was found at a frequency of 0.0053 in 251484 control chromosomes in the gnomAD database, including 15 homozygotes. The observed variant frequency exceeds the estimated maximal expected allele frequency for disease-causing variants in C5. To our knowledge, no occurrence of c.1060C>A in individuals affected with C5-related conditions and no experimental evidence demonstrating its impact on protein function have been reported. ClinVar contains an entry for this variant (Variation ID: 781933). Based on the evidence outlined above, the variant was classified as likely benign.

Labcorp Genetics (formerly Invitae), Labcorp
Classification: Benign. Last evaluated: 2026-01-28. Review status: criteria provided, single submitter. Criteria: Invitae Variant Classification Sherloc (09022015). Collection method: clinical testing. Allele origin: germline.

NM_001735.3(C5):c.1060C>A (p.Leu354Met)

Gene: C5 (complement C5; minus strand). Cytogenetic location: 9q33.2.
Variant type: single nucleotide variant.
Coding change: c.1060C>A on transcript NM_001735.3 (MANE Select); coding-DNA position 1060, C replaced by A.
Protein change: p.Leu354Met; replaces leucine 354 with methionine.
Molecular consequence: missense variant.
Genome position (GRCh38, 1-based): chr9:121,023,460, G>T on the plus strand (C>A on the coding strand, the complement: C5 is on the minus strand). VCF-style: chr9-121023460-G-T. GRCh37 (hg19) VCF-style: chr9-123785738-G-T.
Other names: c.1078C>A, p.Leu360Met (NM_001317163.2); c.1060C>A, p.Leu354Met (NM_001317164.2); short protein forms L354M, L360M.
Identifiers: ClinVar variation 781933 (VCV000781933.33), dbSNP rs34552775, ClinGen allele CA5218174.